The following is an entry in ClinVar:

ClinVar aggregate classification (germline): Uncertain significance (1 of 4 stars; one submission).

Submission:

GeneDx
Classification: Uncertain significance. Last evaluated: 2022-05-31. Review status: criteria provided, single submitter. Criteria: GeneDx Variant Classification Process June 2021. Collection method: clinical testing. Allele origin: germline. Affected: yes.
Comment: Not observed at significant frequency in large population cohorts (gnomAD); In silico analysis supports that this missense variant has a deleterious effect on protein structure/function; Has not been previously published as pathogenic or benign to our knowledge

NM_001287491.2(TET3):c.3473C>T (p.Ser1158Phe)

Gene: TET3 (tet methylcytosine dioxygenase 3; plus strand). Cytogenetic location: 2p13.1.
Variant type: single nucleotide variant.
Coding change: c.3473C>T on transcript NM_001287491.2 (MANE Select); coding-DNA position 3473, C replaced by T.
Protein change: p.Ser1158Phe; replaces serine 1158 with phenylalanine.
Molecular consequence: missense variant.
Genome position (GRCh38, 1-based): chr2:74,099,481, C>T. VCF-style: chr2-74099481-C-T. GRCh37 (hg19) VCF-style: chr2-74326608-C-T.
Other names: c.3194C>T, p.Ser1065Phe (NM_001366022.1); c.3068C>T, p.Ser1023Phe (NM_144993.1); short protein forms S1023F, S1065F, S1158F.
Identifiers: ClinVar variation 1802139 (VCV001802139.1), dbSNP rs2467686224, ClinGen allele CA347315300.